The following is an entry in ClinVar:

NM_000069.3(CACNA1S):c.3491A>C (p.Glu1164Ala)

Gene: CACNA1S (calcium voltage-gated channel subunit alpha1 S; minus strand). Cytogenetic location: 1q32.1.
Variant type: single nucleotide variant.
Coding change: c.3491A>C on transcript NM_000069.3 (MANE Select); coding-DNA position 3491, A replaced by C.
Protein change: p.Glu1164Ala; replaces glutamic acid 1164 with alanine.
Molecular consequence: missense variant.
Genome position (GRCh38, 1-based): chr1:201,059,223, T>G on the plus strand (A>C on the coding strand, the complement: CACNA1S is on the minus strand). VCF-style: chr1-201059223-T-G. GRCh37 (hg19) VCF-style: chr1-201028351-T-G.
Other names: short protein forms E1164A.
Identifiers: ClinVar variation 4755558 (VCV004755558.1).

ClinVar aggregate classification (germline): Uncertain significance (1 of 4 stars; one submission).

Conditions:
Hypokalemic periodic paralysis, type 1. Also called: Hypokalemic Periodic Paralysis Type 1 (AD); HypoPP. Identifiers: Orphanet 681, MedGen C3714580, MONDO:0042979, OMIM 170400.

Submission:

Pediatric Endocrinology, Shandong Provincial Hospital Affiliated to Shandong First Medical University
Classification: Uncertain significance for Hypokalemic periodic paralysis, type 1. Last evaluated: 2025-04-27. Review status: criteria provided, single submitter. Criteria: ACMG Guidelines, 2015. Collection method: clinical testing. Allele origin: maternal. Affected: yes.
Comment: This variant is not present in gnomAD (PM2_sup; version 2.1.1),The bioinformatics software REVEL predicted that this variation is a harmful one, with a prediction value of 0.957 (PP3_Strong)